The following is an entry in ClinVar:

NM_000268.4(NF2):c.1022G>T (p.Arg341Leu)

Gene: NF2 (NF2, moesin-ezrin-radixin like (MERLIN) tumor suppressor; plus strand). Cytogenetic location: 22q12.2.
Variant type: single nucleotide variant.
Coding change: c.1022G>T on transcript NM_000268.4 (MANE Select); coding-DNA position 1022, G replaced by T.
Protein change: p.Arg341Leu; replaces arginine 341 with leucine.
Molecular consequence: missense variant. On other transcripts: non-coding transcript variant (1), intron variant (1).
Genome position (GRCh38, 1-based): chr22:29,671,848, G>T. VCF-style: chr22-29671848-G-T. GRCh37 (hg19) VCF-style: chr22-30067837-G-T.
Other names: c.1022G>T, p.Arg341Leu (NM_016418.5, NM_181825.3, NM_181832.3); c.896G>T, p.Arg299Leu (NM_181828.3); c.899G>T, p.Arg300Leu (NM_181829.3); c.773G>T, p.Arg258Leu (NM_181830.3, NM_181831.3); c.448-22904G>T (NM_181833.3); short protein forms R341L, R299L, R300L, R258L.
Identifiers: ClinVar variation 485993 (VCV000485993.19), dbSNP rs754087071, ClinGen allele CA036649.

ClinVar aggregate classification (germline): Uncertain significance. Review status: criteria provided, multiple submitters, no conflicts (2 of 4 stars). 4 submissions from 4 submitters: Uncertain significance (4). Last evaluated 2024-04-03.

Conditions:
Hereditary cancer-predisposing syndrome. Also called: Hereditary neoplastic syndrome; Hereditary Cancer Syndrome; Neoplastic Syndromes, Hereditary; Tumor predisposition. Identifiers: Orphanet 140162, MedGen C0027672, MeSH D009386, MONDO:0015356.
Neurofibromatosis, type 2 (SWNV). Also called: SCHWANNOMATOSIS, VESTIBULAR; BILATERAL ACOUSTIC NEUROFIBROMATOSIS; NF2-Related Schwannomatosis. Identifiers: Orphanet 637, MedGen C0027832, MONDO:0007039, OMIM 101000. Disease mechanism: loss of function.

gnomAD v4.1: 1 of 1,614,066 alleles (0.000062%); highest among the groups gnomAD compares: Non-Finnish European, 0.000085%; no homozygotes.

Submissions (4):

Ambry Genetics
Classification: Uncertain significance for Hereditary cancer-predisposing syndrome. Last evaluated: 2024-04-03. Review status: criteria provided, single submitter. Criteria: Ambry Variant Classification Scheme 2023. Collection method: clinical testing. Allele origin: germline.
Comment: The p.R341L variant (also known as c.1022G>T), located in coding exon 11 of the NF2 gene, results from a G to T substitution at nucleotide position 1022. The arginine at codon 341 is replaced by leucine, an amino acid with dissimilar properties. This amino acid position is highly conserved in available vertebrate species. In addition, the in silico prediction for this alteration is inconclusive. Based on the available evidence, the clinical significance of this variant remains unclear.

All of Us Research Program, National Institutes of Health
Classification: Uncertain significance for Neurofibromatosis, type 2. Last evaluated: 2024-01-11. Review status: criteria provided, single submitter. Criteria: ACMG Guidelines, 2015. Collection method: clinical testing. Allele origin: germline. Inheritance: Autosomal dominant inheritance. Observed: 1 variant allele, 1 heterozygote.
Comment: This study involves interpretation of variants in research participants for the purpose of population health screening. Participant phenotype was not available at the time of variant classification. Additional details can be found in publication PMID: 35346344, PMCID: PMC8962531

Labcorp Genetics (formerly Invitae), Labcorp
Classification: Uncertain significance for Neurofibromatosis, type 2. Last evaluated: 2022-03-27. Review status: criteria provided, single submitter. Criteria: Invitae Variant Classification Sherloc (09022015). Collection method: clinical testing. Allele origin: germline.
Comment: In summary, the available evidence is currently insufficient to determine the role of this variant in disease. Therefore, it has been classified as a Variant of Uncertain Significance. Algorithms developed to predict the effect of missense changes on protein structure and function are either unavailable or do not agree on the potential impact of this missense change (SIFT: "Tolerated"; PolyPhen-2: "Possibly Damaging"; Align-GVGD: "Class C0"). ClinVar contains an entry for this variant (Variation ID: 485993). This variant has not been reported in the literature in individuals affected with NF2-related conditions. This variant is present in population databases (rs754087071, gnomAD 0.0009%). This sequence change replaces arginine, which is basic and polar, with leucine, which is neutral and non-polar, at codon 341 of the NF2 protein (p.Arg341Leu).

Genome-Nilou Lab
Classification: Uncertain significance for Neurofibromatosis, type 2. Last evaluated: 2021-11-07. Review status: criteria provided, single submitter. Criteria: ACMG Guidelines, 2015. Collection method: clinical testing. Allele origin: germline. Affected: no.